The following is an entry in ClinVar:

ClinVar aggregate classification (germline): Uncertain significance (1 of 4 stars; one submission).

Conditions:
Cardiovascular phenotype. Identifiers: MedGen CN230736.

Submission:

Ambry Genetics
Classification: Uncertain significance for Cardiovascular phenotype. Last evaluated: 2018-06-20. Review status: criteria provided, single submitter. Criteria: Ambry Variant Classification Scheme 2023. Collection method: clinical testing. Allele origin: germline.
Comment: The p.S616Y variant (also known as c.1847C>A), located in coding exon 16 of the DMD gene, results from a C to A substitution at nucleotide position 1847. The serine at codon 616 is replaced by tyrosine, an amino acid with dissimilar properties. This amino acid position is poorly conserved in available vertebrate species. In addition, this alteration is predicted to be tolerated by in silico analysis. Since supporting evidence is limited at this time, the clinical significance of this alteration remains unclear.

NM_004006.3(DMD):c.1847C>A (p.Ser616Tyr)

Gene: DMD (dystrophin; minus strand). Cytogenetic location: Xp21.1.
Variant type: single nucleotide variant.
Coding change: c.1847C>A on transcript NM_004006.3 (MANE Select); coding-DNA position 1847, C replaced by A.
Protein change: p.Ser616Tyr; replaces serine 616 with tyrosine.
Molecular consequence: missense variant.
Genome position (GRCh38, 1-based): chrX:32,565,847, G>T on the plus strand (C>A on the coding strand, the complement: DMD is on the minus strand). VCF-style: chrX-32565847-G-T. GRCh37 (hg19) VCF-style: chrX-32583964-G-T.
Other names: c.1823C>A, p.Ser608Tyr (NM_000109.4); c.1835C>A, p.Ser612Tyr (NM_004009.3); c.1478C>A, p.Ser493Tyr (NM_004010.3); short protein forms S608Y, S493Y, S612Y, S616Y.
Identifiers: ClinVar variation 1781258 (VCV001781258.2), dbSNP rs749663167, ClinGen allele CA10379696.